The following is an entry in ClinVar:

ClinVar aggregate classification (germline): Uncertain significance (1 of 4 stars; one submission).

Conditions:
Beckwith-Wiedemann syndrome (BWS). Also called: EMG SYNDROME; Exomphalos macroglossia gigantism syndrome. Identifiers: Orphanet 116, MedGen C0004903, MONDO:0007534, OMIM 130650.

gnomAD v4.1: 3 of 1,153,818 alleles (0.00026%); highest among the groups gnomAD compares: East Asian, 0.004%; no homozygotes.

Submission:

Labcorp Genetics (formerly Invitae), Labcorp
Classification: Uncertain significance for Beckwith-Wiedemann syndrome. Last evaluated: 2024-05-28. Review status: criteria provided, single submitter. Criteria: Invitae Variant Classification Sherloc (09022015). Collection method: clinical testing. Allele origin: germline.
Comment: This sequence change replaces proline, which is neutral and non-polar, with arginine, which is basic and polar, at codon 216 of the CDKN1C protein (p.Pro216Arg). This variant is not present in population databases (gnomAD no frequency). This variant has not been reported in the literature in individuals affected with CDKN1C-related conditions. Advanced modeling of protein sequence and biophysical properties (such as structural, functional, and spatial information, amino acid conservation, physicochemical variation, residue mobility, and thermodynamic stability) performed at Invitae indicates that this missense variant is not expected to disrupt CDKN1C protein function with a negative predictive value of 80%. In summary, the available evidence is currently insufficient to determine the role of this variant in disease. Therefore, it has been classified as a Variant of Uncertain Significance.

NM_001122630.2(CDKN1C):c.614C>G (p.Pro205Arg)

Gene: CDKN1C (cyclin dependent kinase inhibitor 1C; minus strand). Cytogenetic location: 11p15.4.
Variant type: single nucleotide variant.
Coding change: c.614C>G on transcript NM_001122630.2 (MANE Select); coding-DNA position 614, C replaced by G.
Protein change: p.Pro205Arg; replaces proline 205 with arginine.
Molecular consequence: missense variant. On other transcripts: intron variant (1).
Genome position (GRCh38, 1-based): chr11:2,884,843, G>C on the plus strand (C>G on the coding strand, the complement: CDKN1C is on the minus strand). VCF-style: chr11-2884843-G-C. GRCh37 (hg19) VCF-style: chr11-2906073-G-C.
Other names: c.647C>G, p.Pro216Arg (NM_000076.2, NM_001362474.2); c.614C>G, p.Pro205Arg (NM_001122631.2); c.255+359C>G (NM_001362475.2); short protein forms P205R, P216R.
Identifiers: ClinVar variation 3023476 (VCV003023476.3), dbSNP rs2494385128, ClinGen allele CA379146106.